The following is an entry in ClinVar:

NM_000088.4(COL1A1):c.540del (p.Met181fs)

Gene: COL1A1 (collagen type I alpha 1 chain; minus strand). Cytogenetic location: 17q21.33.
Variant type: Deletion.
Coding change: c.540del on transcript NM_000088.4 (MANE Select); coding-DNA position 540, one base deleted (C; older notation c.540delC).
Protein change: p.Met181fs; shifts the reading frame from methionine 181.
Molecular consequence: frameshift variant.
Genome position (GRCh38, 1-based): chr17:50,198,436, G deleted on the plus strand (C on the coding strand, the reverse complement: COL1A1 is on the minus strand); the first of 4 consecutive G bases (chr17:50,198,436-50,198,439); deleting any one gives the same sequence. VCF-style (leftmost placement, unchanged base first): chr17-50198435-TG-T. GRCh37 (hg19) VCF-style: chr17-48275796-TG-T.
Other names: short protein forms M181fs.
Identifiers: ClinVar variation 4856382 (VCV004856382.1).

ClinVar aggregate classification (germline): Pathogenic (1 of 4 stars; one submission).

Conditions:
COL1A1-related disorder. Also called: COL1A1-related condition; COL1A1- related disease.

Submission:

3billion
Classification: Pathogenic for COL1A1-related disorder. Last evaluated: 2025-09-10. Review status: criteria provided, single submitter. Criteria: ACMG Guidelines, 2015. Collection method: clinical testing. Allele origin: germline. Affected: yes.
Comment: The variant is not observed in the gnomAD v4.1.0 dataset. Predicted Consequence/Location: Frameshift: predicted to result in a loss or disruption of normal protein function through nonsense-mediated decay (NMD) or protein truncation. Multiple pathogenic variants are reported downstream of the variant. The variant has been reported to be associated with COL1A1-related disorder (PMID: 35693066). Therefore, this variant is classified as Pathogenic according to the recommendation of ACMG/AMP guideline.

Literature cited by the submitters: PubMed 35693066.